The following is an entry in ClinVar:

NM_005228.5(EGFR):c.2349C>A (p.Thr783=)

Genes: EGFR-AS1 (EGFR antisense RNA 1; minus strand), EGFR (epidermal growth factor receptor; plus strand). Cytogenetic location: 7p11.2.
Variant type: single nucleotide variant.
Coding change: c.2349C>A on transcript NM_005228.5 (MANE Select); coding-DNA position 2349, C replaced by A.
Protein change: p.Thr783=; no amino-acid change (threonine 783 retained).
Molecular consequence: synonymous variant. On other transcripts: non-coding transcript variant (1).
Genome position (GRCh38, 1-based): chr7:55,181,358, C>A. VCF-style: chr7-55181358-C-A. GRCh37 (hg19) VCF-style: chr7-55249051-C-A.
Other names: c.2349C>A (NM_005228.3); c.2214C>A, p.Thr738= (NM_001346897.2, NM_001346899.2); c.2349C>A, p.Thr783= (NM_001346898.2); c.2190C>A, p.Thr730= (NM_001346900.2); c.1548C>A, p.Thr516= (NM_001346941.2).
Identifiers: ClinVar variation 1096523 (VCV001096523.11), dbSNP rs397517122, ClinGen allele CA4266057.
Genomic context (GRCh38, chr7:55,181,358, plus strand): 5'-CTACGTGATGGCCAGCGTGGACAACCCCCACGTGTGCCGCCTGCTGGGCATCTGCCTCAC[C>A]TCCACCGTGCAGCTCATCACGCAGCTCATGCCCTTCGGCTGCCTCCTGGACTATGTCCGG-3'
Protein context (NP_005219.2, residues 773-793): HVCRLLGICL[Thr783=]STVQLITQLM

ClinVar aggregate classification (germline): Benign/Likely benign. Review status: criteria provided, multiple submitters, no conflicts (2 of 4 stars). 3 submissions from 3 submitters: Benign (1); Likely benign (2). Last evaluated 2024-10-16.

Conditions:
Hereditary cancer-predisposing syndrome. Also called: Tumor predisposition; Hereditary neoplastic syndrome; Hereditary Cancer Syndrome; Neoplastic Syndromes, Hereditary. Identifiers: Orphanet 140162, MedGen C0027672, MeSH D009386, MONDO:0015356.
Lung cancer. Also called: Malignant tumor of lung; Lung cancer, somatic. Identifiers: MedGen C0242379, MONDO:0008903, OMIM 211980.
EGFR-related lung cancer (EGFR). Identifiers: MedGen CN130014.

Allele frequency attached by ClinVar (database versions not stated): gnomAD exomes below 0.00001; ExAC 0.00001.
gnomAD v4.1: 19 of 1,614,232 alleles (0.0012%); highest among the groups gnomAD compares: Non-Finnish European, 0.0016%; no homozygotes.

Submissions (3):

Myriad Genetics, Inc.
Classification: Benign for Lung cancer. Last evaluated: 2024-10-16. Review status: criteria provided, single submitter. Criteria: Myriad Autosomal Dominant, Autosomal Recessive and X-Linked Classification Criteria (2023). Collection method: clinical testing. Allele origin: unknown.
Comment: This variant is considered benign. This variant is a silent/synonymous amino acid change and it is not expected to impact splicing.

Labcorp Genetics (formerly Invitae), Labcorp
Classification: Likely benign for EGFR-related lung cancer. Last evaluated: 2024-07-29. Review status: criteria provided, single submitter. Criteria: Invitae Variant Classification Sherloc (09022015). Collection method: clinical testing. Allele origin: germline.

Ambry Genetics
Classification: Likely benign for Hereditary cancer-predisposing syndrome. Last evaluated: 2023-12-14. Review status: criteria provided, single submitter. Criteria: Ambry Variant Classification Scheme 2023. Collection method: clinical testing. Allele origin: germline.